The following is an entry in ClinVar:

ClinVar aggregate classification (germline): Uncertain significance (1 of 4 stars; one submission).

Conditions:
Primary ciliary dyskinesia. Also called: Ciliary dyskinesia. Identifiers: Orphanet 244, MedGen C0008780, MONDO:0016575, HP:0012265.

gnomAD v4.1: 2 of 1,614,210 alleles (0.00012%); highest among the groups gnomAD compares: Non-Finnish European, 0.00017%; no homozygotes.

Submission:

Ambry Genetics
Classification: Uncertain significance for Primary ciliary dyskinesia. Last evaluated: 2026-06-03. Review status: criteria provided, single submitter. Criteria: Ambry Variant Classification Scheme 2023. Collection method: clinical testing. Allele origin: germline.
Comment: The c.781A>G (p.I261V) alteration is located in exon 6 (coding exon 6) of the DNAH5 gene. This alteration results from a A to G substitution at nucleotide position 781, causing the isoleucine (I) at amino acid position 261 to be replaced by a valine (V). Based on data from gnomAD, the G allele has an overall frequency of <0.001% (1/251350) total alleles studied. The highest observed frequency was 0.001% (1/113650) of European (non-Finnish) alleles. Based on insufficient or conflicting evidence, the clinical significance of this alteration remains unclear.

NM_001369.3(DNAH5):c.781A>G (p.Ile261Val)

Gene: DNAH5 (dynein axonemal heavy chain 5; minus strand). Cytogenetic location: 5p15.2.
Variant type: single nucleotide variant.
Coding change: c.781A>G on transcript NM_001369.3 (MANE Select); coding-DNA position 781, A replaced by G.
Protein change: p.Ile261Val; replaces isoleucine 261 with valine.
Molecular consequence: missense variant.
Genome position (GRCh38, 1-based): chr5:13,920,497, T>C on the plus strand (A>G on the coding strand, the complement: DNAH5 is on the minus strand). VCF-style: chr5-13920497-T-C. GRCh37 (hg19) VCF-style: chr5-13920606-T-C.
Other names: short protein forms I261V.
Identifiers: ClinVar variation 4869968 (VCV004869968.1).